The following is an entry in ClinVar:

NM_000059.4(BRCA2):c.725A>G (p.Lys242Arg)

Gene: BRCA2 (BRCA2 DNA repair associated; plus strand). Cytogenetic location: 13q13.1.
Variant type: single nucleotide variant.
Coding change: c.725A>G on transcript NM_000059.4 (MANE Select); coding-DNA position 725, A replaced by G.
Protein change: p.Lys242Arg; replaces lysine 242 with arginine.
Molecular consequence: missense variant.
Genome position (GRCh38, 1-based): chr13:32,330,962, A>G. VCF-style: chr13-32330962-A-G. GRCh37 (hg19) VCF-style: chr13-32905099-A-G.
Other names: c.725A>G, p.Lys242Arg (NM_001406719.1, NM_001406720.1, NM_001406721.1); c.356A>G, p.Lys119Arg (NM_001406722.1); short protein forms K119R, K242R.
Identifiers: ClinVar variation 1757946 (VCV001757946.2), dbSNP rs2548517962, ClinGen allele CA387760004.

ClinVar aggregate classification (germline): Uncertain significance (1 of 4 stars; one submission).

Conditions:
Hereditary cancer-predisposing syndrome. Also called: Neoplastic Syndromes, Hereditary; Tumor predisposition; Hereditary Cancer Syndrome; Hereditary neoplastic syndrome. Identifiers: Orphanet 140162, MedGen C0027672, MeSH D009386, MONDO:0015356.

Allele frequency attached by ClinVar (database versions not stated): gnomAD exomes below 0.00001.
gnomAD v4.1: 2 of 1,613,662 alleles (0.00012%); no homozygotes.

Submission:

Ambry Genetics
Classification: Uncertain significance for Hereditary cancer-predisposing syndrome. Last evaluated: 2022-05-07. Review status: criteria provided, single submitter. Criteria: Ambry Variant Classification Scheme 2023. Collection method: clinical testing. Allele origin: germline.
Comment: The p.K242R variant (also known as c.725A>G), located in coding exon 8 of the BRCA2 gene, results from an A to G substitution at nucleotide position 725. The lysine at codon 242 is replaced by arginine, an amino acid with highly similar properties. This amino acid position is conserved. In addition, this alteration is predicted to be tolerated by in silico analysis. Since supporting evidence is limited at this time, the clinical significance of this alteration remains unclear.